The following is an entry in ClinVar:

ClinVar aggregate classification (germline): Uncertain significance. Review status: criteria provided, multiple submitters, no conflicts (2 of 4 stars). 4 submissions from 4 submitters: Uncertain significance (4). Last evaluated 2025-08-09.

Conditions:
Inborn genetic diseases. Identifiers: MedGen C0950123, MeSH D030342.

gnomAD v4.1: 37 of 1,604,976 alleles (0.0023%); highest among the groups gnomAD compares: Non-Finnish European, 0.003%; no homozygotes.

Submissions (4):

Ambry Genetics
Classification: Uncertain significance for Inborn genetic diseases. Last evaluated: 2025-08-09. Review status: criteria provided, single submitter. Criteria: Ambry Variant Classification Scheme 2023. Collection method: clinical testing. Allele origin: germline.

GeneDx
Classification: Uncertain significance. Last evaluated: 2024-09-17. Review status: criteria provided, single submitter. Criteria: GeneDx Variant Classification Process June 2021. Collection method: clinical testing. Allele origin: germline. Affected: yes.
Comment: Not observed at significant frequency in large population cohorts (gnomAD); In silico analysis indicates that this missense variant does not alter protein structure/function; Has not been previously published as pathogenic or benign to our knowledge

Athena Diagnostics
Classification: Uncertain significance. Last evaluated: 2024-09-04. Review status: criteria provided, single submitter. Criteria: Athena Diagnostics Criteria. Collection method: clinical testing. Allele origin: unknown.
Comment: Available data are insufficient to determine the clinical significance of the variant at this time. The frequency of this variant in the general population is uninformative in assessment of its pathogenicity. Polyphen and MutationTaster predict this amino acid change may be benign.

Labcorp Genetics (formerly Invitae), Labcorp
Classification: Uncertain significance. Last evaluated: 2024-04-25. Review status: criteria provided, single submitter. Criteria: Invitae Variant Classification Sherloc (09022015). Collection method: clinical testing. Allele origin: germline.
Comment: This sequence change replaces serine, which is neutral and polar, with asparagine, which is neutral and polar, at codon 532 of the OPA1 protein (p.Ser532Asn). This variant is present in population databases (no rsID available, gnomAD 0.002%). This variant has not been reported in the literature in individuals affected with OPA1-related conditions. Advanced modeling of protein sequence and biophysical properties (such as structural, functional, and spatial information, amino acid conservation, physicochemical variation, residue mobility, and thermodynamic stability) performed at Invitae indicates that this missense variant is not expected to disrupt OPA1 protein function with a negative predictive value of 80%. In summary, the available evidence is currently insufficient to determine the role of this variant in disease. Therefore, it has been classified as a Variant of Uncertain Significance.

NM_130837.3(OPA1):c.1760G>A (p.Ser587Asn)

Genes: OPA1 (OPA1 mitochondrial dynamin like GTPase; plus strand), LOC126806913 (BRD4-independent group 4 enhancer GRCh37_chr3:193364377-193365576; plus strand). Cytogenetic location: 3q29.
Variant type: single nucleotide variant.
Coding change: c.1760G>A on transcript NM_130837.3 (MANE Select); coding-DNA position 1760, G replaced by A.
Protein change: p.Ser587Asn; replaces serine 587 with asparagine.
Molecular consequence: missense variant.
Genome position (GRCh38, 1-based): chr3:193,647,070, G>A. VCF-style: chr3-193647070-G-A. GRCh37 (hg19) VCF-style: chr3-193364859-G-A.
Other names: c.1226G>A, p.Ser409Asn (NM_001354663.2); c.1223G>A, p.Ser408Asn (NM_001354664.2); c.1595G>A, p.Ser532Asn (NM_015560.3); c.1487G>A, p.Ser496Asn (NM_130831.3); c.1541G>A, p.Ser514Asn (NM_130832.3); c.1598G>A, p.Ser533Asn (NM_130833.3); c.1649G>A, p.Ser550Asn (NM_130834.3); c.1652G>A, p.Ser551Asn (NM_130835.3); and 1 more; short protein forms S409N, S514N, S532N, S533N, S587N, S408N, S496N, S550N.
Identifiers: ClinVar variation 3571850 (VCV003571850.5).
Genomic context (GRCh38, chr3:193,647,070, plus strand): 5'-GTTGTCCTTTTTGTCATTTTAATATACTTTAGCTCTTGTTATTTTTTTTTAATAGGACAA[G>A]CATGCTAAAGGCACACCAAGTGACTACAAGAAATTTAAGCCTTGCAGTATCAGACTGCTT-3'
Protein context (NP_570850.2, residues 577-597): FFQNSKLLKT[Ser587Asn]MLKAHQVTTR